The following is an entry in ClinVar:

NM_000277.3(PAH):c.208_210del (p.Ser70del)

Gene: PAH (phenylalanine hydroxylase; minus strand). Cytogenetic location: 12q23.2.
Variant type: Deletion.
Coding change: c.208_210del on transcript NM_000277.3 (MANE Select); coding-DNA positions 208 to 210, 3 bases deleted (TCT; older notation c.208_210delTCT).
Protein change: p.Ser70del; deletes serine 70.
Molecular consequence: inframe deletion.
Genome position (GRCh38, 1-based): chr12:102,894,877-102,894,879, AGA deleted on the plus strand (TCT on the coding strand, the reverse complement: PAH is on the minus strand); deleting any 3 consecutive bases within chr12:102,894,877-102,894,881 gives the same sequence; the c. name uses the placement nearest the transcript's 3' end. VCF-style (leftmost placement, unchanged base first): chr12-102894876-GAGA-G. GRCh37 (hg19) VCF-style: chr12-103288654-GAGA-G.
Other names: NM_000277.1(PAH):c.208_210delTCT; c.207_209delTTC (NM_000277.1); c.206_208delCTT (NM_000277.1); c.208_210del, p.Ser70del (NM_001354304.2); c.208_210del (NM_000277.1); c.208_210delTCT (NM_000277.2, NM_000277.3); short protein forms S70del.
Identifiers: ClinVar variation 102632 (VCV000102632.23), dbSNP rs62642094, ClinGen allele CA229490.

ClinVar aggregate classification (germline): Pathogenic. Review status: reviewed by expert panel (3 of 4 stars). 11 submissions from 9 submitters: Pathogenic (1). 10 of the submissions do not count toward it. Last evaluated 2018-08-05.

Conditions:
Phenylketonuria (PKU). Also called: Phenylketonuria (PKU); FOLLING DISEASE; OLIGOPHRENIA PHENYLPYRUVICA; Phenylketonurias. Identifiers: Orphanet 716, MedGen C0031485, MONDO:0009861, OMIM 261600. Disease mechanism: loss of function.

Submissions (11):

ClinGen PAH Variant Curation Expert Panel
Classification: Pathogenic for Phenylketonuria. Last evaluated: 2018-08-05. Review status: reviewed by expert panel. Criteria: ClinGen PAH ACMG Specifications v1. Collection method: curation. Allele origin: germline. Inheritance: Autosomal recessive inheritance.
Comment: PAH-specific ACMG/AMP criteria applied: PP4: Phe>120 umol/L with PKU (PMID:25456745); PM3: In trans with: c.842+2T>A (P, ClinGen) (PMID:25456745); PS3: 0% in BioPKU; PM2: Extremely low frequency. ExAC MAF=0.00012; PM4: In frame deletion. In summary this variant meets criteria to be classified as pathogenic for phenylketonuria in an autosomal recessive manner based on the ACMG/AMP criteria applied as specified by the PAH Expert Panel: (PP4, PM3, PS3, PM2, PM4).

Labcorp Genetics (formerly Invitae), Labcorp
Classification: Pathogenic for Phenylketonuria. Last evaluated: 2026-01-05. Review status: criteria provided, single submitter. Criteria: Invitae Variant Classification Sherloc (09022015). Collection method: clinical testing. Allele origin: germline. Not counted in ClinVar's aggregate classification.
Comment: This variant, c.208_210del, results in the deletion of 1 amino acid(s) of the PAH protein (p.Ser70del), but otherwise preserves the integrity of the reading frame. This variant is present in population databases (rs62642094, gnomAD 0.006%). This variant has been observed in individual(s) with PAH-related diseases from mild hyperphenylalaninemia to classic phenylketonuria (PMID: 15503242, 16256386, 23271928, 23932990; internal data). ClinVar contains an entry for this variant (Variation ID: 102632). Experimental studies and prediction algorithms are not available or were not evaluated, and the functional significance of this variant is currently unknown. For these reasons, this variant has been classified as Pathogenic.

GeneDx
Classification: Pathogenic. Last evaluated: 2025-07-30. Review status: criteria provided, single submitter. Criteria: GeneDx Variant Classification Process June 2021. Collection method: clinical testing. Allele origin: germline. Affected: yes. Not counted in ClinVar's aggregate classification.
Comment: In-frame deletion of 1 amino acid in a non-repeat region; Not observed at significant frequency in large population cohorts (gnomAD); In silico analysis supports a deleterious effect on protein structure/function; This variant is associated with the following publications: (PMID: 12905706, 21811977, 15503242, 16256386, 34828281, 30747360, 9860305, 23271928, 29317692, 24401910, 23932990, 25456745, 29413232, 31355225, 32668217, 32778825, 35095998, 33161754, 36845377, 36246604, 38105685, 28982351)

Natera, Inc.
Classification: Pathogenic for Phenylketonuria. Last evaluated: 2025-03-06. Review status: criteria provided, single submitter. Criteria: Natera Variant Classification Schema (03/2026). Collection method: clinical testing. Allele origin: germline. Not counted in ClinVar's aggregate classification.
Comment: The c.208_210delTCT variant in PAH is an in-frame deletion predicted to remove serine at amino acid 70 while preserving the reading frame. This variant is rare in the general population with a frequency below the threshold expected for the associated phenotype(s). This variant has been observed in one or more individuals affected with the associated recessive disease, as either homozygous or compound heterozygous with a second variant (PMID: 28754886). Given the available evidence, this variant is classified as Pathogenic.

Women's Health and Genetics/Laboratory Corporation of America, LabCorp
Classification: Pathogenic for Phenylketonuria. Last evaluated: 2021-10-07. Review status: criteria provided, single submitter. Criteria: LabCorp Variant Classification Summary - May 2015. Collection method: clinical testing. Allele origin: germline. Not counted in ClinVar's aggregate classification.
Comment: Variant summary: PAH c.208_210delTCT (p.Ser70del) results in an in-frame deletion that is predicted to remove one amino acid from the encoded protein that is located in the ACT domain (IPR002912), which proposed to have a regulatory role in protein function (InterPro). The variant allele was found at a frequency of 1.2e-05 in 251342 control chromosomes (gnomAD). c.208_210delTCT has been reported in the literature in several compound heterozygous and homozygous individuals (mostly of East Asian origin) who were affected with Phenylalanine Hydroxylase Deficiency (Phenylketonuria), with reported disease phenotypes ranging from mild hyperphenylalaninemia to classic phenylketonuria (e.g. Okano_1998, Okano_2011, Zhu_2013, Tao_2015, Li_2018, Su_2019, Tao_2021); of note, in the 5 reported homozygous patients a mild PKU phenotype was described (Li_2018, Su_2019). These data indicate that the variant is very likely to be associated with disease. To our knowledge, no experimental evidence demonstrating an impact on protein function has been reported. Four submitters, including an expert panel (ClinGen PAH Variant Curation Expert Panel), have provided clinical-significance assessments for this variant in ClinVar after 2014, and all of them classified the variant as pathogenic. Based on the evidence outlined above, the variant was classified as pathogenic.

Revvity Omics, Revvity
Classification: Pathogenic for Phenylketonuria. Last evaluated: 2021-07-26. Review status: criteria provided, single submitter. Criteria: ACMG Guidelines, 2015. Collection method: clinical testing. Allele origin: germline. Not counted in ClinVar's aggregate classification.

Juno Genomics, Hangzhou Juno Genomics, Inc
Classification: Pathogenic for Phenylketonuria. Review status: criteria provided, single submitter. Criteria: ACMG Guidelines, 2015. Collection method: clinical testing. Allele origin: germline. Affected: yes. Not counted in ClinVar's aggregate classification.
Comment: Protein length changes due to in-frame deletions/insertions in a non-repeat region or stop-loss variants.;For recessive disorders, detected in trans with a pathogenic variant.

Counsyl
Classification: Pathogenic for Phenylketonuria. Last evaluated: 2015-11-24. Review status: no assertion criteria provided. Collection method: clinical testing. Allele origin: unknown. Not counted in ClinVar's aggregate classification.

DeBelle Laboratory for Biochemical Genetics, MUHC/MCH RESEARCH INSTITUTE
No classification provided. Review status: no classification provided. Collection method: not provided. Allele origin: not provided. Not counted in ClinVar's aggregate classification.

DeBelle Laboratory for Biochemical Genetics, MUHC/MCH RESEARCH INSTITUTE
No classification provided. Review status: flagged submission. Collection method: not provided. Allele origin: not provided. Not counted in ClinVar's aggregate classification.
ClinVar note: Reason: This record appears to be redundant with a more recent record from the same submitter.
ClinVar note: Notes: SCV000119469 appears to be redundant with SCV000119472.

DeBelle Laboratory for Biochemical Genetics, MUHC/MCH RESEARCH INSTITUTE
No classification provided. Review status: flagged submission. Collection method: not provided. Allele origin: not provided. Not counted in ClinVar's aggregate classification.
ClinVar note: Reason: This record appears to be redundant with a more recent record from the same submitter.
ClinVar note: Notes: SCV000119470 appears to be redundant with SCV000119472.

Literature cited by the submitters: PubMed 25456745 (cited by ClinGen PAH Variant Curation Expert Panel and Counsyl); PubMed 15503242 (cited by Labcorp Genetics (formerly Invitae), Labcorp and Counsyl); PubMed 16256386 (cited by Labcorp Genetics (formerly Invitae), Labcorp and Counsyl); PubMed 23271928 (cited by Labcorp Genetics (formerly Invitae), Labcorp and Counsyl); PubMed 23932990 (cited by 3 submitters); PubMed 28754886 (cited by Natera, Inc.); PubMed 26322415 (cited by Women's Health and Genetics/Laboratory Corporation of America, LabCorp); PubMed 21307867 (cited by Women's Health and Genetics/Laboratory Corporation of America, LabCorp); PubMed 9860305 (cited by Women's Health and Genetics/Laboratory Corporation of America, LabCorp and Counsyl); PubMed 31355225 (cited by Women's Health and Genetics/Laboratory Corporation of America, LabCorp); PubMed 30275481 (cited by Women's Health and Genetics/Laboratory Corporation of America, LabCorp); PubMed 32668217 (cited by Women's Health and Genetics/Laboratory Corporation of America, LabCorp); PubMed 32893076 (cited by Women's Health and Genetics/Laboratory Corporation of America, LabCorp); PubMed 24401910 (cited by Counsyl).